The following is an entry in ClinVar:

NM_001348800.3(ZBTB20):c.37C>T (p.Gln13Ter)

Genes: ZBTB20 (zinc finger and BTB domain containing 20; minus strand), ZBTB20-AS1 (ZBTB20 antisense RNA 1; plus strand). Cytogenetic location: 3q13.31.
Variant type: single nucleotide variant.
Coding change: c.37C>T on transcript NM_001348800.3 (MANE Select); coding-DNA position 37, C replaced by T.
Protein change: p.Gln13Ter; replaces glutamine 13 with a stop codon.
Molecular consequence: nonsense. On other transcripts: 5 prime UTR variant (12), non-coding transcript variant (1).
Genome position (GRCh38, 1-based): chr3:114,380,379, G>A on the plus strand (C>T on the coding strand, the complement: ZBTB20 is on the minus strand). VCF-style: chr3-114380379-G-A. GRCh37 (hg19) VCF-style: chr3-114099226-G-A.
Other names: c.37C>T, p.Gln13Ter (NM_001164342.2, NM_001348803.3, NM_001393393.1 and 1 more transcripts); c.-183C>T (NM_001164343.2, NM_001164344.4, NM_001164345.4 and 9 more transcripts); short protein forms Q13*.
Identifiers: ClinVar variation 3030834 (VCV003030834.2), dbSNP rs2549116089, ClinGen allele CA354021766.

ClinVar aggregate classification (germline): Uncertain significance (0 of 4 stars; one submission).

Conditions:
ZBTB20-related disorder. Also called: ZBTB20-related condition.

Submission:

PreventionGenetics, part of Exact Sciences
Classification: Uncertain significance for ZBTB20-related condition. Last evaluated: 2023-12-06. Review status: no assertion criteria provided. Collection method: clinical testing. Allele origin: germline.
Comment: The ZBTB20 c.37C>T variant is predicted to result in premature protein termination (p.Gln13*). To our knowledge, this variant has not been reported in the literature or in a large population database, indicating this variant is rare. Early termination changes have been reported as causative downstream of this change, but none are present in this exon or upstream. At this time, the clinical significance of this variant is uncertain due to the absence of conclusive functional and genetic evidence.